The following is an entry in ClinVar:

ClinVar aggregate classification (germline): Likely pathogenic (1 of 4 stars; one submission).

Conditions:
Peroxisome biogenesis disorder. Identifiers: Orphanet 79189, MedGen C1832200, MONDO:0019234. Disease mechanism: loss of function.

gnomAD v4.1: 1 of 1,313,958 alleles (0.000076%); highest among the groups gnomAD compares: Non-Finnish European, 0.000096%; no homozygotes.

Submission:

Myriad Genetics, Inc.
Classification: Likely pathogenic for Peroxisome biogenesis disorder. Last evaluated: 2025-07-28. Review status: criteria provided, single submitter. Criteria: Myriad Autosomal Dominant, Autosomal Recessive and X-Linked Classification Criteria (2023). Collection method: clinical testing. Allele origin: unknown.
Comment: NM_000288.3(PEX7):c.130+1G>T is a variant in a canonical splice site classified as likely pathogenic in the context of PEX7-related disorders. c.130+1G>T has not been observed in cases with relevant disease. Relevant functional assessments of this variant are not available in the literature. c.130+1G>T has not been observed in referenced population frequency databases. In summary, NM_000288.3(PEX7):c.130+1G>T is a variant in a canonical splice site in a gene where loss of function is a known mechanism of disease and is predicted to disrupt protein function. Please note: this variant was assessed in the context of healthy population screening.

NM_000288.4(PEX7):c.130+1G>T

Gene: PEX7 (peroxisomal biogenesis factor 7; plus strand). Cytogenetic location: 6q23.3.
Variant type: single nucleotide variant.
Coding change: c.130+1G>T on transcript NM_000288.4 (MANE Select); the canonical splice donor site of the intron after coding-DNA position 130, G replaced by T.
Molecular consequence: splice donor variant.
Genome position (GRCh38, 1-based): chr6:136,822,796, G>T. VCF-style: chr6-136822796-G-T. GRCh37 (hg19) VCF-style: chr6-137143934-G-T.
Identifiers: ClinVar variation 5003515 (VCV005003515.1).